The following is an entry in ClinVar:

NM_025074.7(FRAS1):c.9654G>A (p.Glu3218=)

Gene: FRAS1 (Fraser extracellular matrix complex subunit 1; plus strand). Cytogenetic location: 4q21.21.
Variant type: single nucleotide variant.
Coding change: c.9654G>A on transcript NM_025074.7 (MANE Select); coding-DNA position 9654, G replaced by A.
Protein change: p.Glu3218=; no amino-acid change (glutamic acid 3218 retained).
Molecular consequence: synonymous variant.
Genome position (GRCh38, 1-based): chr4:78,508,880, G>A. VCF-style: chr4-78508880-G-A. GRCh37 (hg19) VCF-style: chr4-79430034-G-A.
Other names: c.9654G>A (NM_025074.6).
Identifiers: ClinVar variation 2969150 (VCV002969150.5), dbSNP rs758556454, ClinGen allele CA2978723.

ClinVar aggregate classification (germline): Likely benign. Review status: criteria provided, single submitter (1 of 4 stars). 2 submissions from 2 submitters: Likely benign (1). 1 of the submissions does not count toward it. Last evaluated 2024-03-16.

Conditions:
FRAS1-related disorder. Also called: FRAS1-related condition.

Allele frequency attached by ClinVar (database versions not stated): gnomAD exomes 0.00001; ExAC 0.00002; gnomAD 0.00005; TOPMed 0.00005.
gnomAD v4.1: 15 of 1,613,778 alleles (0.00093%); highest among the groups gnomAD compares: Admixed American, 0.015%; no homozygotes.

Submissions (2):

Labcorp Genetics (formerly Invitae), Labcorp
Classification: Likely benign. Last evaluated: 2024-03-16. Review status: criteria provided, single submitter. Criteria: Invitae Variant Classification Sherloc (09022015). Collection method: clinical testing. Allele origin: germline.

PreventionGenetics, part of Exact Sciences
Classification: Likely benign for FRAS1-related condition. Last evaluated: 2023-04-26. Review status: no assertion criteria provided. Collection method: clinical testing. Allele origin: germline. Not counted in ClinVar's aggregate classification.
Comment: This variant is classified as likely benign based on ACMG/AMP sequence variant interpretation guidelines (Richards et al. 2015 PMID: 25741868, with internal and published modifications).